The following is an entry in ClinVar:

ClinVar aggregate classification (germline): Uncertain significance. Review status: criteria provided, multiple submitters, no conflicts (2 of 4 stars). 2 submissions from 2 submitters: Uncertain significance (2). Last evaluated 2024-11-05.

Conditions:
Severe combined immunodeficiency due to DNA-PKcs deficiency. Also called: IMMUNODEFICIENCY 26 WITH NEUROLOGIC ABNORMALITIES; Immunodeficiency 26 with or without neurologic abnormalities. Identifiers: Orphanet 317425, MedGen C4014833, MONDO:0014423, OMIM 615966.

Allele frequency attached by ClinVar (database versions not stated): gnomAD exomes below 0.00001.
gnomAD v4.1: 10 of 1,595,600 alleles (0.00063%); highest among the groups gnomAD compares: African/African-American, 0.0014%; no homozygotes.

Submissions (2):

Labcorp Genetics (formerly Invitae), Labcorp
Classification: Uncertain significance for Severe combined immunodeficiency due to DNA-PKcs deficiency. Last evaluated: 2024-11-05. Review status: criteria provided, single submitter. Criteria: Invitae Variant Classification Sherloc (09022015). Collection method: clinical testing. Allele origin: germline.
Comment: This sequence change replaces aspartic acid, which is acidic and polar, with glycine, which is neutral and non-polar, at codon 1015 of the PRKDC protein (p.Asp1015Gly). The frequency data for this variant in the population databases is considered unreliable, as metrics indicate poor data quality at this position in the gnomAD database. This variant has not been reported in the literature in individuals affected with PRKDC-related conditions. ClinVar contains an entry for this variant (Variation ID: 837550). Experimental studies and prediction algorithms are not available or were not evaluated, and the functional significance of this variant is currently unknown. In summary, the available evidence is currently insufficient to determine the role of this variant in disease. Therefore, it has been classified as a Variant of Uncertain Significance.

Ambry Genetics
Classification: Uncertain significance. Last evaluated: 2021-06-21. Review status: criteria provided, single submitter. Criteria: Ambry Variant Classification Scheme 2023. Collection method: clinical testing. Allele origin: germline.
Comment: The p.D1015G variant (also known as c.3044A>G), located in coding exon 27 of the PRKDC gene, results from an A to G substitution at nucleotide position 3044. The aspartic acid at codon 1015 is replaced by glycine, an amino acid with similar properties. This amino acid position is conserved. In addition, this alteration is predicted to be tolerated by in silico analysis. Since supporting evidence is limited at this time, the clinical significance of this alteration remains unclear.

NM_006904.7(PRKDC):c.3044A>G (p.Asp1015Gly)

Gene: PRKDC (protein kinase, DNA-activated, catalytic subunit; minus strand). Cytogenetic location: 8q11.21.
Variant type: single nucleotide variant.
Coding change: c.3044A>G on transcript NM_006904.7 (MANE Select); coding-DNA position 3044, A replaced by G.
Protein change: p.Asp1015Gly; replaces aspartic acid 1015 with glycine.
Molecular consequence: missense variant.
Genome position (GRCh38, 1-based): chr8:47,902,794, T>C on the plus strand (A>G on the coding strand, the complement: PRKDC is on the minus strand). VCF-style: chr8-47902794-T-C. GRCh37 (hg19) VCF-style: chr8-48815354-T-C.
Other names: c.3044A>G, p.Asp1015Gly (NM_001081640.2); short protein forms D1015G.
Identifiers: ClinVar variation 837550 (VCV000837550.11), dbSNP rs370371531, ClinGen allele CA4741278.